The following is an entry in ClinVar:

ClinVar aggregate classification (germline): Likely benign. Review status: criteria provided, multiple submitters, no conflicts (2 of 4 stars). 4 submissions from 4 submitters: Likely benign (4). Last evaluated 2026-01-21.

Conditions:
ALPK3-related disorder. Also called: ALPK3-related condition.
Cardiovascular phenotype. Identifiers: MedGen CN230736.

Allele frequency attached by ClinVar (database versions not stated): gnomAD 0.00005 and 0.00006; TOPMed 0.00007.

Submissions (4):

Labcorp Genetics (formerly Invitae), Labcorp
Classification: Likely benign. Last evaluated: 2026-01-21. Review status: criteria provided, single submitter. Criteria: Invitae Variant Classification Sherloc (09022015). Collection method: clinical testing. Allele origin: germline.

PreventionGenetics, part of Exact Sciences
Classification: Likely benign for ALPK3-related condition. Last evaluated: 2025-08-18. Review status: criteria provided, single submitter. Criteria: ACMG Guidelines, 2015. Collection method: clinical testing. Allele origin: germline.
Comment: This variant is classified as likely benign based on ACMG/AMP sequence variant interpretation guidelines (Richards et al. 2015 PMID: 25741868, with internal and published modifications).

Ambry Genetics
Classification: Likely benign for Cardiovascular phenotype. Last evaluated: 2019-12-23. Review status: criteria provided, single submitter. Criteria: Ambry Variant Classification Scheme 2023. Collection method: clinical testing. Allele origin: germline.

GeneDx
Classification: Likely benign. Last evaluated: 2016-10-24. Review status: criteria provided, single submitter. Criteria: GeneDx Variant Classification (06012015). Collection method: clinical testing. Allele origin: germline. Affected: yes.
Comment: This variant is considered likely benign or benign based on one or more of the following criteria: it is a conservative change, it occurs at a poorly conserved position in the protein, it is predicted to be benign by multiple in silico algorithms, and/or has population frequency not consistent with disease.

NM_020778.5(ALPK3):c.-64C>G

Gene: ALPK3 (alpha kinase 3; plus strand). Cytogenetic location: 15q25.3.
Variant type: single nucleotide variant.
Coding change: c.-64C>G on transcript NM_020778.5 (MANE Select); 64 bases upstream of the start codon, C replaced by G.
Molecular consequence: 5 prime UTR variant.
Genome position (GRCh38, 1-based): chr15:84,817,389, C>G. VCF-style: chr15-84817389-C-G. GRCh37 (hg19) VCF-style: chr15-85360620-C-G.
Identifiers: ClinVar variation 390161 (VCV000390161.11), dbSNP rs959503280, ClinGen allele CA16607148.
Genomic context (GRCh38, chr15:84,817,389, plus strand): 5'-AAATAGGGGCGCGCGTCAGCCGCGGGCGGGAGCGGCGGCGGCGGGCAGGGGCCCGGGGGC[C>G]GGGGCCTGGAGGACAGGCGAGGCAGCGGCGAGTGCGGGGCCGGCGGTCGGGGAGGGCGGT-3'